The following is an entry in ClinVar:

NM_017849.4(TMEM127):c.142C>T (p.Leu48Phe)

Gene: TMEM127 (transmembrane protein 127; minus strand). Cytogenetic location: 2q11.2.
Variant type: single nucleotide variant.
Coding change: c.142C>T on transcript NM_017849.4 (MANE Select); coding-DNA position 142, C replaced by T.
Protein change: p.Leu48Phe; replaces leucine 48 with phenylalanine.
Molecular consequence: missense variant. On other transcripts: intron variant (1).
Genome position (GRCh38, 1-based): chr2:96,265,240, G>A on the plus strand (C>T on the coding strand, the complement: TMEM127 is on the minus strand). VCF-style: chr2-96265240-G-A. GRCh37 (hg19) VCF-style: chr2-96930978-G-A.
Other names: c.142C>T, p.Leu48Phe (NM_001193304.3); c.-9+629C>T (NM_001407283.1); short protein forms L48F.
Identifiers: ClinVar variation 3651765 (VCV003651765.3).

ClinVar aggregate classification (germline): Uncertain significance. Review status: criteria provided, multiple submitters, no conflicts (2 of 4 stars). 2 submissions from 2 submitters: Uncertain significance (2). Last evaluated 2026-07-07.

Conditions:
Hereditary pheochromocytoma and paraganglioma. Also called: Hereditary paragangliomas and pheochromocytomas; Hereditary pheochromocytoma-paraganglioma; Hereditary Paraganglioma-Pheochromocytoma Syndromes. Identifiers: Orphanet 29072, MedGen C4274332, MONDO:0017366.
Hereditary cancer-predisposing syndrome. Also called: Tumor predisposition; Hereditary neoplastic syndrome; Hereditary Cancer Syndrome; Neoplastic Syndromes, Hereditary. Identifiers: Orphanet 140162, MedGen C0027672, MeSH D009386, MONDO:0015356.

gnomAD v4.1: 1 of 1,598,090 alleles (0.000063%); highest among the groups gnomAD compares: Non-Finnish European, 0.000085%; no homozygotes.

Submissions (2):

Ambry Genetics
Classification: Uncertain significance for Hereditary cancer-predisposing syndrome. Last evaluated: 2026-07-07. Review status: criteria provided, single submitter. Criteria: Ambry Variant Classification Scheme 2023. Collection method: clinical testing. Allele origin: germline.
Comment: The p.L48F variant (also known as c.142C>T), located in coding exon 1 of the TMEM127 gene, results from a C to T substitution at nucleotide position 142. The leucine at codon 48 is replaced by phenylalanine, an amino acid with highly similar properties. This amino acid position is conserved. In addition, this alteration is predicted to be deleterious by in silico analysis. Based on the available evidence, the clinical significance of this variant remains unclear.

Labcorp Genetics (formerly Invitae), Labcorp
Classification: Uncertain significance for Hereditary pheochromocytoma and paraganglioma. Last evaluated: 2024-05-01. Review status: criteria provided, single submitter. Criteria: Invitae Variant Classification Sherloc (09022015). Collection method: clinical testing. Allele origin: germline.
Comment: This sequence change replaces leucine, which is neutral and non-polar, with phenylalanine, which is neutral and non-polar, at codon 48 of the TMEM127 protein (p.Leu48Phe). This variant is not present in population databases (gnomAD no frequency). This variant has not been reported in the literature in individuals affected with TMEM127-related conditions. An algorithm developed to predict the effect of missense changes on protein structure and function (PolyPhen-2) suggests that this variant is likely to be disruptive. In summary, the available evidence is currently insufficient to determine the role of this variant in disease. Therefore, it has been classified as a Variant of Uncertain Significance.